The following is an entry in ClinVar:

ClinVar aggregate classification (germline): Uncertain significance (1 of 4 stars; one submission).

Submission:

GeneDx
Classification: Uncertain significance. Last evaluated: 2019-05-31. Review status: criteria provided, single submitter. Criteria: GeneDx Variant Classification Process June 2021. Collection method: clinical testing. Allele origin: germline. Affected: yes.
Comment: Not observed in large population cohorts (Lek et al., 2016); In silico analysis, which includes protein predictors and evolutionary conservation, supports a deleterious effect; Has not been previously published as pathogenic or benign to our knowledge

NM_001110556.2(FLNA):c.5339T>A (p.Val1780Asp)

Gene: FLNA (filamin A; minus strand). Cytogenetic location: Xq28.
Variant type: single nucleotide variant.
Coding change: c.5339T>A on transcript NM_001110556.2 (MANE Select); coding-DNA position 5339, T replaced by A.
Protein change: p.Val1780Asp; replaces valine 1780 with aspartic acid.
Molecular consequence: missense variant.
Genome position (GRCh38, 1-based): chrX:154,354,458, A>T on the plus strand (T>A on the coding strand, the complement: FLNA is on the minus strand). VCF-style: chrX-154354458-A-T. GRCh37 (hg19) VCF-style: chrX-153582826-A-T.
Other names: c.5315T>A, p.Val1772Asp (NM_001456.4); short protein forms V1772D, V1780D.
Identifiers: ClinVar variation 1306189 (VCV001306189.2), dbSNP rs2148106800, ClinGen allele CA415205752.